The following is an entry in ClinVar:

NM_001330574.2(ZNF711):c.1055-19T>C

Gene: ZNF711 (zinc finger protein 711; plus strand). Cytogenetic location: Xq21.1.
Variant type: single nucleotide variant.
Coding change: c.1055-19T>C on transcript NM_001330574.2 (MANE Select); 19 bases into the intron before coding-DNA position 1055, T replaced by C.
Molecular consequence: intron variant.
Genome position (GRCh38, 1-based): chrX:85,268,275, T>C. VCF-style: chrX-85268275-T-C. GRCh37 (hg19) VCF-style: chrX-84523281-T-C.
Other names: c.1055-19T>C (NM_001375433.1, NM_001375432.1, NM_001375431.1); c.917-19T>C (NM_001375435.1, NM_001375436.1, NM_001375437.1 and 2 more transcripts).
Identifiers: ClinVar variation 4535518 (VCV004535518.1).

ClinVar aggregate classification (germline): Likely benign (1 of 4 stars; one submission).

Submission:

Women's Health and Genetics/Laboratory Corporation of America, LabCorp
Classification: Likely benign. Last evaluated: 2025-09-15. Review status: criteria provided, single submitter. Criteria: LabCorp Variant Classification Summary - May 2015. Collection method: clinical testing. Allele origin: germline.
Comment: Variant summary: ZNF711 c.917-19T>C alters a nucleotide located at a position not widely known to affect splicing. Consensus agreement among computation tools predict no significant impact on normal splicing. However, these predictions have yet to be confirmed by functional studies. The variant was absent in 38060 control chromosomes (gnomAD). The available data on variant occurrences in the general population are insufficient to allow any conclusion about variant significance. To our knowledge, no occurrence of c.917-19T>C in individuals affected with ZNF711-related conditions and no experimental evidence demonstrating its impact on protein function have been reported. No submitters have cited clinical-significance assessments for this variant to ClinVar. Based on the evidence outlined above, the variant was classified as likely benign.